The following is an entry in ClinVar:

NM_004519.4(KCNQ3):c.1141-5C>G

Gene: KCNQ3 (potassium voltage-gated channel subfamily Q member 3; minus strand). Cytogenetic location: 8q24.22.
Variant type: single nucleotide variant.
Coding change: c.1141-5C>G on transcript NM_004519.4 (MANE Select); 5 bases into the intron before coding-DNA position 1141, C replaced by G.
Molecular consequence: intron variant.
Genome position (GRCh38, 1-based): chr8:132,170,433, G>C on the plus strand (C>G on the coding strand, the complement: KCNQ3 is on the minus strand). VCF-style: chr8-132170433-G-C. GRCh37 (hg19) VCF-style: chr8-133182680-G-C.
Other names: c.781-5C>G (NM_001204824.2).
Identifiers: ClinVar variation 2059649 (VCV002059649.4), dbSNP rs1460364641, ClinGen allele CA585235118.

ClinVar aggregate classification (germline): Uncertain significance (1 of 4 stars; one submission).

Conditions:
Benign neonatal seizures. Also called: Benign familial neonatal epilepsy; Benign familial neonatal seizures; Benign neonatal familial convulsions; Convulsions benign familial neonatal dominant form; Autosomal dominant form of benign neonatal seizures. Identifiers: Orphanet 1949, MedGen C0220669, MONDO:0016027.

gnomAD v4.1: 6 of 1,609,672 alleles (0.00037%); highest among the groups gnomAD compares: Non-Finnish European, 0.00051%; no homozygotes.

Submission:

Labcorp Genetics (formerly Invitae), Labcorp
Classification: Uncertain significance for Benign neonatal seizures. Last evaluated: 2025-04-02. Review status: criteria provided, single submitter. Criteria: Invitae Variant Classification Sherloc (09022015). Collection method: clinical testing. Allele origin: germline.
Comment: This sequence change falls in intron 7 of the KCNQ3 gene. It does not directly change the encoded amino acid sequence of the KCNQ3 protein. This variant is present in population databases (no rsID available, gnomAD 0.0009%). This variant has not been reported in the literature in individuals affected with KCNQ3-related conditions. ClinVar contains an entry for this variant (Variation ID: 2059649). Algorithms developed to predict the effect of sequence changes on RNA splicing suggest that this variant may disrupt the consensus splice site. In summary, the available evidence is currently insufficient to determine the role of this variant in disease. Therefore, it has been classified as a Variant of Uncertain Significance.